The following is an entry in ClinVar:

ClinVar aggregate classification (germline): Uncertain significance (1 of 4 stars; one submission).

gnomAD v4.1: 10 of 1,585,140 alleles (0.00063%); highest among the groups gnomAD compares: Middle Eastern, 0.017%; no homozygotes.

Submission:

Ambry Genetics
Classification: Uncertain significance. Last evaluated: 2024-11-28. Review status: criteria provided, single submitter. Criteria: Ambry Variant Classification Scheme 2023. Collection method: clinical testing. Allele origin: germline.
Comment: The p.S1909L variant (also known as c.5726C>T), located in coding exon 23 of the WNK2 gene, results from a C to T substitution at nucleotide position 5726. The serine at codon 1909 is replaced by leucine, an amino acid with dissimilar properties. This amino acid position is conserved. In addition, the in silico prediction for this alteration is inconclusive. Based on the available evidence, the clinical significance of this variant remains unclear.

NM_006648.4(WNK2):c.5726C>T (p.Ser1909Leu)

Gene: WNK2 (WNK lysine deficient protein kinase 2; plus strand). Cytogenetic location: 9q22.31.
Variant type: single nucleotide variant.
Coding change: c.5726C>T on transcript NM_006648.4 (MANE Select); coding-DNA position 5726, C replaced by T.
Protein change: p.Ser1909Leu; replaces serine 1909 with leucine.
Molecular consequence: missense variant.
Genome position (GRCh38, 1-based): chr9:93,297,870, C>T. VCF-style: chr9-93297870-C-T. GRCh37 (hg19) VCF-style: chr9-96060152-C-T.
Other names: c.5837C>T, p.Ser1946Leu (NM_001282394.3); short protein forms S1909L, S1946L.
Identifiers: ClinVar variation 3470507 (VCV003470507.1).